The following is an entry in ClinVar:

ClinVar aggregate classification (germline): Uncertain significance (1 of 4 stars; one submission).

Conditions:
Hereditary breast ovarian cancer syndrome. Also called: Hereditary breast and ovarian cancer; Hereditary breast and ovarian cancer syndrome; Breast and ovarian cancer; BRCA1- and BRCA2-Associated Hereditary Breast and Ovarian Cancer; Hereditary breast and/or ovarian cancer syndrome; Hereditary breast and ovarian cancer syndrome (HBOC). Identifiers: Orphanet 145, MedGen C0677776, MeSH D061325, MONDO:0003582. Disease mechanism: loss of function.

Submission:

Labcorp Genetics (formerly Invitae), Labcorp
Classification: Uncertain significance for Hereditary breast ovarian cancer syndrome. Last evaluated: 2022-02-20. Review status: criteria provided, single submitter. Criteria: Invitae Variant Classification Sherloc (09022015). Collection method: clinical testing. Allele origin: germline.
Comment: In summary, the available evidence is currently insufficient to determine the role of this variant in disease. Therefore, it has been classified as a Variant of Uncertain Significance. Advanced modeling of protein sequence and biophysical properties (such as structural, functional, and spatial information, amino acid conservation, physicochemical variation, residue mobility, and thermodynamic stability) performed at Invitae indicates that this missense variant is not expected to disrupt BRCA2 protein function. This variant has not been reported in the literature in individuals affected with BRCA2-related conditions. This variant is not present in population databases (gnomAD no frequency). This sequence change replaces isoleucine, which is neutral and non-polar, with valine, which is neutral and non-polar, at codon 2869 of the BRCA2 protein (p.Ile2869Val).

NM_000059.4(BRCA2):c.8605A>G (p.Ile2869Val)

Gene: BRCA2 (BRCA2 DNA repair associated; plus strand). Cytogenetic location: 13q13.1.
Variant type: single nucleotide variant.
Coding change: c.8605A>G on transcript NM_000059.4 (MANE Select); coding-DNA position 8605, A replaced by G.
Protein change: p.Ile2869Val; replaces isoleucine 2869 with valine.
Molecular consequence: missense variant.
Genome position (GRCh38, 1-based): chr13:32,371,073, A>G. VCF-style: chr13-32371073-A-G. GRCh37 (hg19) VCF-style: chr13-32945210-A-G.
Other names: c.8509A>G, p.Ile2837Val (NM_001406719.1); c.8605A>G, p.Ile2869Val (NM_001406720.1); c.3673A>G, p.Ile1225Val (NM_001406721.1); c.2188A>G, p.Ile730Val (NM_001406722.1); short protein forms I1225V, I2837V, I2869V, I730V.
Identifiers: ClinVar variation 2100743 (VCV002100743.4), dbSNP rs1593931261, ClinGen allele CA387752903.